The following is an entry in ClinVar:

ClinVar aggregate classification (germline): Uncertain significance (1 of 4 stars; one submission).

Conditions:
Adenylosuccinate lyase deficiency (ADSLD). Also called: ADSL DEFICIENCY. Identifiers: Orphanet 46, MedGen C0268126, MONDO:0007068, OMIM 103050.

Submission:

OLLIN Analises Genomicas, OLLIN
Classification: Uncertain significance for Adenylosuccinate lyase deficiency. Last evaluated: 2026-08-06. Review status: criteria provided, single submitter. Criteria: ACMG Guidelines 2015 PMID 25741868. Collection method: clinical testing. Allele origin: germline. Inheritance: Autosomal recessive inheritance.
Comment: This missense variant, located in exon 8 (of 13), is absent from gnomAD and ClinVar and has not been identified in the literature. In silico analysis is inconclusive regarding the impact of this variant. According to the currently available evidence, this variant has been classified as uncertain significance (PM2_P).

NM_000026.4(ADSL):c.861T>G (p.Ile287Met)

Gene: ADSL (adenylosuccinate lyase; plus strand). Cytogenetic location: 22q13.1.
Variant type: single nucleotide variant.
Coding change: c.861T>G on transcript NM_000026.4 (MANE Select); coding-DNA position 861, T replaced by G.
Protein change: p.Ile287Met; replaces isoleucine 287 with methionine.
Molecular consequence: missense variant. On other transcripts: non-coding transcript variant (1).
Genome position (GRCh38, 1-based): chr22:40,361,341, T>G. VCF-style: chr22-40361341-T-G. GRCh37 (hg19) VCF-style: chr22-40757345-T-G.
Other names: c.861T>G, p.Ile287Met (NM_001123378.3, NM_001363840.3, NM_001410812.1 and 1 more transcripts); c.669T>G, p.Ile223Met (NM_001317923.2); c.816T>G, p.Ile272Met (NM_001410814.1); short protein forms I223M, I272M, I287M.
Identifiers: ClinVar variation 5003193 (VCV005003193.1).